The following is an entry in ClinVar:

ClinVar aggregate classification (germline): Likely benign (1 of 4 stars; one submission).

gnomAD v4.1: 46 of 1,552,958 alleles (0.003%); highest among the groups gnomAD compares: Non-Finnish European, 0.0037%; no homozygotes.

Submission:

CeGaT Center for Human Genetics Tuebingen
Classification: Likely benign. Last evaluated: 2025-12-01. Review status: criteria provided, single submitter. Criteria: CeGaT Center For Human Genetics Tuebingen Variant Classification Criteria Version 2. Collection method: clinical testing. Allele origin: germline. Affected: yes. Observed: 1 variant allele.
Comment: GFAP: BP4, BP7

NM_002055.5(GFAP):c.1171+110C>T

Gene: GFAP (glial fibrillary acidic protein; minus strand). Cytogenetic location: 17q21.31.
Variant type: single nucleotide variant.
Coding change: c.1171+110C>T on transcript NM_002055.5 (MANE Select); 110 bases into the intron after coding-DNA position 1171, C replaced by T.
Molecular consequence: intron variant. On other transcripts: synonymous variant (1).
Genome position (GRCh38, 1-based): chr17:44,910,505, G>A on the plus strand (C>T on the coding strand, the complement: GFAP is on the minus strand). VCF-style: chr17-44910505-G-A. GRCh37 (hg19) VCF-style: chr17-42987873-G-A.
Other names: c.1281C>T, p.Leu427= (NM_001242376.3); c.1171+110C>T (NM_001363846.2, NM_001131019.3).
Identifiers: ClinVar variation 4681582 (VCV004681582.5).